The following is an entry in ClinVar:

NM_000092.5(COL4A4):c.666G>A (p.Pro222=)

Gene: COL4A4 (collagen type IV alpha 4 chain; minus strand). Cytogenetic location: 2q36.3.
Variant type: single nucleotide variant.
Coding change: c.666G>A on transcript NM_000092.5 (MANE Select); coding-DNA position 666, G replaced by A.
Protein change: p.Pro222=; no amino-acid change (proline 222 retained).
Molecular consequence: synonymous variant.
Genome position (GRCh38, 1-based): chr2:227,108,860, C>T on the plus strand (G>A on the coding strand, the complement: COL4A4 is on the minus strand). VCF-style: chr2-227108860-C-T. GRCh37 (hg19) VCF-style: chr2-227973576-C-T.
Other names: p.Pro222=.
Identifiers: ClinVar variation 447193 (VCV000447193.31), dbSNP rs111945121, ClinGen allele CA2145501.

ClinVar aggregate classification (germline): Benign/Likely benign. Review status: criteria provided, multiple submitters, no conflicts (2 of 4 stars). 13 submissions from 13 submitters: Benign (7); Likely benign (2). 4 of the submissions do not count toward it. Last evaluated 2026-02-04.

Conditions:
Kidney disorder. Also called: Kidney disease; Kidney Diseases; Nephropathy; renal disease; renal disorder. Identifiers: MedGen C0022658, MONDO:0005240, HP:0000112.
Alport syndrome. Also called: Hemorrhagic familial nephritis; Hemorrhagic hereditary nephritis; Congenital hereditary hematuria. Identifiers: Orphanet 63, MedGen C1567741, MONDO:0018965.

Allele frequency attached by ClinVar (database versions not stated): gnomAD exomes 0.00071 and 0.00158; ExAC 0.00213; ESP Exome Variant Server 0.00580; gnomAD 0.00638 and 0.00676; TOPMed 0.00675; 1000 Genomes Project 0.00739; 1000 Genomes Project 30x 0.00796.
gnomAD v4.1: 2,097 of 1,611,676 alleles (0.13%); highest among the groups gnomAD compares: African/African-American, 2.3%; 21 homozygotes.

Submissions (16):

Labcorp Genetics (formerly Invitae), Labcorp
Classification: Benign. Last evaluated: 2026-02-04. Review status: criteria provided, single submitter. Criteria: Invitae Variant Classification Sherloc (09022015). Collection method: clinical testing. Allele origin: germline.

Blueprint Genetics
Classification: Likely benign. Last evaluated: 2024-11-07. Review status: criteria provided, single submitter. Criteria: ACMG Guidelines, 2015. Collection method: clinical testing. Allele origin: germline.

Mayo Clinic Laboratories, Mayo Clinic
Classification: Benign. Last evaluated: 2024-05-06. Review status: criteria provided, single submitter. Criteria: ACMG Guidelines, 2015. Collection method: clinical testing. Allele origin: germline. Observed: 2 variant alleles.
Comment: BS1, BS2, BP4, BP7

Genome Diagnostics Laboratory, The Hospital for Sick Children
Classification: Likely benign for Kidney disorder. Last evaluated: 2020-05-01. Review status: criteria provided, single submitter. Criteria: ACMG Guidelines, 2015. Collection method: clinical testing. Allele origin: germline.

GeneDx
Classification: Benign. Last evaluated: 2018-07-20. Review status: criteria provided, single submitter. Criteria: GeneDx Variant Classification Process June 2021. Collection method: clinical testing. Allele origin: germline. Affected: yes.

Illumina Laboratory Services, Illumina
Classification: Benign for Alport syndrome. Last evaluated: 2018-01-12. Review status: criteria provided, single submitter. Criteria: ICSL Variant Classification Criteria 13 December 2019. Collection method: clinical testing. Allele origin: germline.
Comment: This variant was observed in the ICSL laboratory as part of a predisposition screen in an ostensibly healthy population. It had not been previously curated by ICSL or reported in the Human Gene Mutation Database (HGMD: prior to June 1st, 2018), and was therefore a candidate for classification through an automated scoring system. Utilizing variant allele frequency, disease prevalence and penetrance estimates, and inheritance mode, an automated score was calculated to assess if this variant is too frequent to cause the disease. Based on the score and internal cut-off values, a variant classified as benign is not then subjected to further curation. The score for this variant resulted in a classification of benign for this disease.

Athena Diagnostics
Classification: Benign. Last evaluated: 2017-03-09. Review status: criteria provided, single submitter. Criteria: Athena Diagnostics Criteria. Collection method: clinical testing. Allele origin: germline.

Laboratory for Molecular Medicine, Mass General Brigham Personalized Medicine
Classification: Benign. Last evaluated: 2016-03-21. Review status: criteria provided, single submitter. Criteria: LMM Criteria. Collection method: clinical testing. Allele origin: germline. Observed: 1 variant allele.
Comment: p.Pro222Pro in exon 11 of COL4A4: This variant is not expected to have clinical significance because it does not alter an amino acid residue, is not located wit hin the splice consensus sequence, and has been identified in 2.35% (200/8522) o f African chromosomes by the Exome Aggregation Consortium (ExAC; dbSNP rs111945121).

Breakthrough Genomics
Classification: Benign. Review status: criteria provided, single submitter. Criteria: ACMG Guidelines, 2015. Collection method: not provided. Allele origin: germline. Inheritance: Autosomal recessive inheritance. Affected: yes.

Natera, Inc.
Classification: Benign for Alport syndrome. Last evaluated: 2020-09-16. Review status: no assertion criteria provided. Collection method: clinical testing. Allele origin: germline. Not counted in ClinVar's aggregate classification.

Clinical Genetics DNA and cytogenetics Diagnostics Lab, Erasmus MC, Erasmus Medical Center
Classification: Benign. Review status: no assertion criteria provided. Collection method: clinical testing. Allele origin: germline. Affected: yes. Study: VKGL Data-share Consensus. Not counted in ClinVar's aggregate classification.

Dr. Peter K. Rogan Lab, Western University
No classification provided (evidence only). Condition: Familial cancer of breast. Review status: no classification provided. Collection method: in vitro. Allele origin: not applicable. Functional consequence: retained intron. Not counted in ClinVar's aggregate classification.

Dr. Peter K. Rogan Lab, Western University
No classification provided (evidence only). Condition: Ovarian serous cystadenocarcinoma. Review status: no classification provided. Collection method: in vitro. Allele origin: not applicable. Functional consequence: retained intron. Not counted in ClinVar's aggregate classification.

Dr. Peter K. Rogan Lab, Western University
No classification provided (evidence only). Condition: Gastric cancer. Review status: no classification provided. Collection method: in vitro. Allele origin: not applicable. Functional consequence: retained intron. Not counted in ClinVar's aggregate classification.

Genome Diagnostics Laboratory, University Medical Center Utrecht
Classification: Benign. Review status: no assertion criteria provided. Collection method: clinical testing. Allele origin: germline. Affected: yes. Study: VKGL Data-share Consensus. Not counted in ClinVar's aggregate classification.

Joint Genome Diagnostic Labs from Nijmegen and Maastricht, Radboudumc and MUMC+
Classification: Likely benign. Review status: no assertion criteria provided. Collection method: clinical testing. Allele origin: germline. Affected: yes. Study: VKGL Data-share Consensus. Not counted in ClinVar's aggregate classification.